The following is an entry in ClinVar:

ClinVar aggregate classification (germline): Pathogenic. Review status: criteria provided, multiple submitters, no conflicts (2 of 4 stars). 4 submissions from 4 submitters: Pathogenic (2). 2 of the submissions do not count toward it. Last evaluated 2025-08-19.

Conditions:
Familial porphyria cutanea tarda (PCT). Also called: PCT, TYPE II; PORPHYRIA CUTANEA TARDA, TYPE II; PORPHYRIA, HEPATOCUTANEOUS TYPE; UROD DEFICIENCY; UROPORPHYRINOGEN DECARBOXYLASE DEFICIENCY; PCT, ''FAMILIAL'' TYPE. Identifiers: Orphanet 101330, Orphanet 443062, MedGen C0268323, MONDO:0008296, OMIM 176100.

Allele frequency attached by ClinVar (database versions not stated): TOPMed 0.00001; gnomAD exomes 0.00003; ExAC 0.00006; ESP Exome Variant Server 0.00008.

Submissions (5):

Mayo Clinic Laboratories, Mayo Clinic
Classification: Pathogenic. Last evaluated: 2025-08-19. Review status: criteria provided, single submitter. Criteria: ACMG Guidelines, 2015. Collection method: clinical testing. Allele origin: germline. Observed: 2 variant alleles.
Comment: PM2_moderate, PS4, PVS1

Labcorp Genetics (formerly Invitae), Labcorp
Classification: Pathogenic. Last evaluated: 2025-01-30. Review status: criteria provided, single submitter. Criteria: Invitae Variant Classification Sherloc (09022015). Collection method: clinical testing. Allele origin: germline.
Comment: This sequence change affects a donor splice site in intron 6 of the UROD gene. It is expected to disrupt RNA splicing. Variants that disrupt the donor or acceptor splice site typically lead to a loss of protein function (PMID: 16199547), and loss-of-function variants in UROD are known to be pathogenic (PMID: 1634232, 17240319, 19233912, 19419417, 23545314). This variant is present in population databases (rs145195562, gnomAD 0.006%). Disruption of this splice site has been observed in individuals with autosomal dominant porphyria cutanea tarda (PMID: 2243121). It has also been observed to segregate with disease in related individuals. ClinVar contains an entry for this variant (Variation ID: 67). Algorithms developed to predict the effect of sequence changes on RNA splicing suggest that this variant may disrupt the consensus splice site. For these reasons, this variant has been classified as Pathogenic.

OMIM
Classification: Pathogenic for PORPHYRIA CUTANEA TARDA. Last evaluated: 1990-11-01. Review status: no assertion criteria provided. Collection method: literature only. Allele origin: germline. Not counted in ClinVar's aggregate classification.

Dr. Peter K. Rogan Lab, Western University
No classification provided (evidence only). Condition: Thyroid cancer, nonmedullary, 1. Review status: no classification provided. Collection method: in vitro. Allele origin: not applicable. Functional consequence: skipped exon, retained intron. Not counted in ClinVar's aggregate classification.

GeneReviews
No classification provided. Condition: Familial porphyria cutanea tarda. Review status: no classification provided. Collection method: literature only. Allele origin: germline. Affected: yes. Not counted in ClinVar's aggregate classification.

Literature cited by the submitters: PubMed 19233912 (cited by Mayo Clinic Laboratories, Mayo Clinic and Labcorp Genetics (formerly Invitae), Labcorp); PubMed 2243121 (cited by 3 submitters); PubMed 29625052 (cited by Mayo Clinic Laboratories, Mayo Clinic); PubMed 30514647 (cited by Mayo Clinic Laboratories, Mayo Clinic); PubMed 36451132 (cited by Mayo Clinic Laboratories, Mayo Clinic); PubMed 16199547 (cited by Labcorp Genetics (formerly Invitae), Labcorp); PubMed 1634232 (cited by Labcorp Genetics (formerly Invitae), Labcorp); PubMed 17240319 (cited by Labcorp Genetics (formerly Invitae), Labcorp); PubMed 19419417 (cited by Labcorp Genetics (formerly Invitae), Labcorp); PubMed 23545314 (cited by Labcorp Genetics (formerly Invitae), Labcorp); NCBI Bookshelf NBK143129 (cited by GeneReviews).

NM_000374.5(UROD):c.636+1G>C

Gene: UROD (uroporphyrinogen decarboxylase; plus strand). Cytogenetic location: 1p34.1.
Variant type: single nucleotide variant.
Coding change: c.636+1G>C on transcript NM_000374.5 (MANE Select); the canonical splice donor site of the intron after coding-DNA position 636, G replaced by C.
Molecular consequence: splice donor variant.
Genome position (GRCh38, 1-based): chr1:45,014,071, G>C. VCF-style: chr1-45014071-G-C. GRCh37 (hg19) VCF-style: chr1-45479743-G-C.
Other names: IVS6DS, G-C, +1.
Identifiers: ClinVar variation 67 (VCV000000067.14), dbSNP rs145195562, ClinGen allele CA251371.